The following is an entry in ClinVar:

ClinVar aggregate classification (germline): Uncertain significance (1 of 4 stars; one submission).

Conditions:
Postaxial polydactyly-anterior pituitary anomalies-facial dysmorphism syndrome. Also called: Culler-Jones syndrome. Identifiers: Orphanet 420584, MedGen C4014479, MONDO:0014369, OMIM 615849.
Holoprosencephaly 9 (HPE9). Also called: PITUITARY ANOMALIES WITH HOLOPROSENCEPHALY-LIKE FEATURES; HOLOPROSENCEPHALY WITH MICROPHTHALMIA AND FIRST BRANCHIAL ARCH ANOMALIES. Identifiers: Orphanet 2162, MedGen C1835819, MONDO:0012563, OMIM 610829.

gnomAD v4.1: 2 of 1,613,986 alleles (0.00012%); highest among the groups gnomAD compares: Non-Finnish European, 0.00017%; no homozygotes.

Submission:

Labcorp Genetics (formerly Invitae), Labcorp
Classification: Uncertain significance for Postaxial polydactyly-anterior pituitary anomalies-facial dysmorphism syndrome; Holoprosencephaly 9. Last evaluated: 2022-03-04. Review status: criteria provided, single submitter. Criteria: Invitae Variant Classification Sherloc (09022015). Collection method: clinical testing. Allele origin: germline.
Comment: In summary, the available evidence is currently insufficient to determine the role of this variant in disease. Therefore, it has been classified as a Variant of Uncertain Significance. Algorithms developed to predict the effect of missense changes on protein structure and function (SIFT, PolyPhen-2, Align-GVGD) all suggest that this variant is likely to be tolerated. This variant has not been reported in the literature in individuals affected with GLI2-related conditions. This variant is not present in population databases (gnomAD no frequency). This sequence change replaces alanine, which is neutral and non-polar, with serine, which is neutral and polar, at codon 714 of the GLI2 protein (p.Ala714Ser).

NM_001374353.1(GLI2):c.2089G>T (p.Ala697Ser)

Gene: GLI2 (GLI family zinc finger 2; plus strand). Cytogenetic location: 2q14.2.
Variant type: single nucleotide variant.
Coding change: c.2089G>T on transcript NM_001374353.1 (MANE Select); coding-DNA position 2089, G replaced by T.
Protein change: p.Ala697Ser; replaces alanine 697 with serine.
Molecular consequence: missense variant.
Genome position (GRCh38, 1-based): chr2:120,986,461, G>T. VCF-style: chr2-120986461-G-T. GRCh37 (hg19) VCF-style: chr2-121744037-G-T.
Other names: c.2140G>T, p.Ala714Ser (NM_001371271.1, NM_005270.5); c.1714G>T, p.Ala572Ser (NM_001374354.1); short protein forms A572S, A714S, A697S.
Identifiers: ClinVar variation 2061047 (VCV002061047.4), dbSNP rs553780090, ClinGen allele CA348164095.